The following is an entry in ClinVar:

NM_003024.3(ITSN1):c.356G>A (p.Gly119Asp)

Gene: ITSN1 (intersectin 1; plus strand). Cytogenetic location: 21q22.11.
Variant type: single nucleotide variant.
Coding change: c.356G>A on transcript NM_003024.3 (MANE Select); coding-DNA position 356, G replaced by A.
Protein change: p.Gly119Asp; replaces glycine 119 with aspartic acid.
Molecular consequence: missense variant. On other transcripts: intron variant (1).
Genome position (GRCh38, 1-based): chr21:33,750,152, G>A. VCF-style: chr21-33750152-G-A. GRCh37 (hg19) VCF-style: chr21-35122457-G-A.
Other names: c.356G>A, p.Gly119Asp (NM_001001132.2, NM_001331008.2, NM_001331009.2 and 2 more transcripts); c.347-102G>A (NM_001331012.2); short protein forms G119D.
Identifiers: ClinVar variation 1339234 (VCV001339234.2), dbSNP rs2067451408, ClinGen allele CA410194556.

ClinVar aggregate classification (germline): Uncertain significance (1 of 4 stars; one submission).

Conditions:
Nephrotic syndrome. Identifiers: MedGen C0027726, MONDO:0005377, HP:0000100.

Allele frequency attached by ClinVar (database versions not stated): gnomAD exomes below 0.00001.
gnomAD v4.1: 1 of 1,613,888 alleles (0.000062%); highest among the groups gnomAD compares: Non-Finnish European, 0.000085%; no homozygotes.

Submission:

Neuberg Centre For Genomic Medicine, NCGM
Classification: Uncertain significance for Nephrotic Syndrome. Review status: criteria provided, single submitter. Criteria: ACMG Guidelines, 2015. Collection method: clinical testing. Allele origin: germline. Affected: yes.
Comment: The missense variant p.G119D in ITSN1 (NM_003024.3) has not been reported previously as a pathogenic variant nor as a benign variant, to our knowledge.The p.G119D variant is novel (not in any individuals) in gnomAD Exomes and is novel (not in any individuals) in 1000 Genomes. The p.G119D missense variant is predicted to be damaging by both SIFT and PolyPhen2. The nucleotide c.356 in ITSN1 is predicted conserved by GERP++ and PhyloP across 100 vertebrates.For these reasons, this variant has been classified as Uncertain Significance.